The following is an entry in ClinVar:

ClinVar aggregate classification (germline): Likely benign (1 of 4 stars; one submission).

Submission:

CeGaT Center for Human Genetics Tuebingen
Classification: Likely benign. Last evaluated: 2026-03-01. Review status: criteria provided, single submitter. Criteria: CeGaT Center For Human Genetics Tuebingen Variant Classification Criteria Version 2. Collection method: clinical testing. Allele origin: germline. Affected: yes. Observed: 2 variant alleles.
Comment: IRF8: BS2

NM_002163.4(IRF8):c.-1-1639C>T

Gene: IRF8 (interferon regulatory factor 8; plus strand). Cytogenetic location: 16q24.1.
Variant type: single nucleotide variant.
Coding change: c.-1-1639C>T on transcript NM_002163.4 (MANE Select); 1639 bases into the intron before 1 bases upstream of the start codon, C replaced by T.
Molecular consequence: intron variant.
Genome position (GRCh38, 1-based): chr16:85,901,376, C>T. VCF-style: chr16-85901376-C-T. GRCh37 (hg19) VCF-style: chr16-85934982-C-T.
Identifiers: ClinVar variation 4822610 (VCV004822610.4).